The following is an entry in ClinVar:

ClinVar aggregate classification (germline): Uncertain significance (1 of 4 stars; one submission).

gnomAD v4.1: 7 of 1,035,808 alleles (0.00068%); highest among the groups gnomAD compares: Non-Finnish European, 0.00094%; no homozygotes.

Submissions (2):

Labcorp Genetics (formerly Invitae), Labcorp
Classification: Uncertain significance. Last evaluated: 2024-02-15. Review status: criteria provided, single submitter. Criteria: Invitae Variant Classification Sherloc (09022015). Collection method: clinical testing. Allele origin: germline.
Comment: This sequence change replaces lysine, which is basic and polar, with arginine, which is basic and polar, at codon 1020 of the POLA1 protein (p.Lys1020Arg). This variant is present in population databases (rs759559043, gnomAD 0.003%). This variant has not been reported in the literature in individuals affected with POLA1-related conditions. Advanced modeling of protein sequence and biophysical properties (such as structural, functional, and spatial information, amino acid conservation, physicochemical variation, residue mobility, and thermodynamic stability) performed at Invitae indicates that this missense variant is not expected to disrupt POLA1 protein function with a negative predictive value of 80%. In summary, the available evidence is currently insufficient to determine the role of this variant in disease. Therefore, it has been classified as a Variant of Uncertain Significance.

Dr. Peter K. Rogan Lab, Western University
No classification provided (evidence only). Condition: Familial cancer of breast. Review status: no classification provided. Collection method: in vitro. Allele origin: not applicable. Functional consequence: retained intron. Not counted in ClinVar's aggregate classification.

NM_001330360.2(POLA1):c.3077A>G (p.Lys1026Arg)

Gene: POLA1 (DNA polymerase alpha 1, catalytic subunit; plus strand). Cytogenetic location: Xp22.11.
Variant type: single nucleotide variant.
Coding change: c.3077A>G on transcript NM_001330360.2 (MANE Select); coding-DNA position 3077, A replaced by G.
Protein change: p.Lys1026Arg; replaces lysine 1026 with arginine.
Molecular consequence: missense variant. On other transcripts: non-coding transcript variant (2).
Genome position (GRCh38, 1-based): chrX:24,810,787, A>G. VCF-style: chrX-24810787-A-G. GRCh37 (hg19) VCF-style: chrX-24828904-A-G.
Other names: c.3002A>G, p.Lys1001Arg (NM_001378303.1); c.3059A>G, p.Lys1020Arg (NM_016937.4); short protein forms K1001R, K1026R, K1020R.
Identifiers: ClinVar variation 3691808 (VCV003691808.2).
Genomic context (GRCh38, chrX:24,810,787, plus strand): 5'-ATGGAGATACAGATTCAATTATGATAAACACCAATAGCACCAATCTGGAAGAAGTATTTA[A>G]GTTGGGAAACAAGGTGAGATAATTTTATGAAATTATCTGCTTTACCTATTTTTGTGAATT-3'
Protein context (NP_001317289.1, residues 1016-1036): TNSTNLEEVF[Lys1026Arg]LGNKVKSEVN